The following is an entry in ClinVar:

ClinVar aggregate classification (germline): Uncertain significance (1 of 4 stars; one submission).

gnomAD v4.1: 2 of 1,614,054 alleles (0.00012%); highest among the groups gnomAD compares: Middle Eastern, 0.016%; no homozygotes.

Submission:

GeneDx
Classification: Uncertain significance. Last evaluated: 2024-05-22. Review status: criteria provided, single submitter. Criteria: GeneDx Variant Classification Process June 2021. Collection method: clinical testing. Allele origin: germline. Affected: yes.
Comment: Not observed at significant frequency in large population cohorts (gnomAD); In silico analysis supports that this missense variant has a deleterious effect on protein structure/function; Has not been previously published as pathogenic or benign to our knowledge

NM_006245.4(PPP2R5D):c.1451G>A (p.Cys484Tyr)

Gene: PPP2R5D (protein phosphatase 2 regulatory subunit B'delta; plus strand). Cytogenetic location: 6p21.1.
Variant type: single nucleotide variant.
Coding change: c.1451G>A on transcript NM_006245.4 (MANE Select); coding-DNA position 1451, G replaced by A.
Protein change: p.Cys484Tyr; replaces cysteine 484 with tyrosine.
Molecular consequence: missense variant.
Genome position (GRCh38, 1-based): chr6:43,010,539, G>A. VCF-style: chr6-43010539-G-A. GRCh37 (hg19) VCF-style: chr6-42978277-G-A.
Other names: c.998G>A, p.Cys333Tyr (NM_001270476.2); c.1355G>A, p.Cys452Tyr (NM_180976.3); c.1133G>A, p.Cys378Tyr (NM_180977.3); short protein forms C333Y, C378Y, C452Y, C484Y.
Identifiers: ClinVar variation 3381313 (VCV003381313.1).